The following is an entry in ClinVar:

ClinVar aggregate classification (germline): Uncertain significance (1 of 4 stars; one submission).

Conditions:
X-linked immunodeficiency with magnesium defect, Epstein-Barr virus infection and neoplasia. Identifiers: Orphanet 317476, MedGen C3275445, MONDO:0010455, OMIM 300853.

Submission:

Labcorp Genetics (formerly Invitae), Labcorp
Classification: Uncertain significance for X-linked immunodeficiency with magnesium defect, Epstein-Barr virus infection and neoplasia. Last evaluated: 2022-12-19. Review status: criteria provided, single submitter. Criteria: Invitae Variant Classification Sherloc (09022015). Collection method: clinical testing. Allele origin: germline.
Comment: In summary, the available evidence is currently insufficient to determine the role of this variant in disease. Therefore, it has been classified as a Variant of Uncertain Significance. Algorithms developed to predict the effect of missense changes on protein structure and function (SIFT, PolyPhen-2, Align-GVGD) all suggest that this variant is likely to be tolerated. This variant has not been reported in the literature in individuals affected with MAGT1-related conditions. This variant is not present in population databases (gnomAD no frequency). This sequence change replaces asparagine, which is neutral and polar, with serine, which is neutral and polar, at codon 287 of the MAGT1 protein (p.Asn287Ser).

NM_001367916.1(MAGT1):c.764A>G (p.Asn255Ser)

Gene: MAGT1 (magnesium transporter 1; minus strand). Cytogenetic location: Xq21.1.
Variant type: single nucleotide variant.
Coding change: c.764A>G on transcript NM_001367916.1 (MANE Select); coding-DNA position 764, A replaced by G.
Protein change: p.Asn255Ser; replaces asparagine 255 with serine.
Molecular consequence: missense variant.
Genome position (GRCh38, 1-based): chrX:77,853,963, T>C on the plus strand (A>G on the coding strand, the complement: MAGT1 is on the minus strand). VCF-style: chrX-77853963-T-C. GRCh37 (hg19) VCF-style: chrX-77109460-T-C.
Other names: c.860A>G, p.Asn287Ser (NM_032121.5); short protein forms N255S, N287S.
Identifiers: ClinVar variation 2175841 (VCV002175841.4), dbSNP rs2521991009, ClinGen allele CA413713334.